The following is an entry in ClinVar:

ClinVar aggregate classification (germline): Benign (1 of 4 stars; one submission).

Conditions:
Childhood apraxia of speech (SPCH1). Also called: DEVELOPMENTAL VERBAL DYSPRAXIA; Speech language disorder; FOXP2-Related Speech and Language Disorder; SPEECH AND LANGUAGE DISORDER WITH OROFACIAL DYSPRAXIA. Identifiers: Orphanet 209908, MedGen C0750927, MONDO:0011184, OMIM 602081.

Allele frequency attached by ClinVar (database versions not stated): gnomAD 0.00002 and 0.00004; gnomAD exomes 0.00010 and 0.00018; ExAC 0.00098.
gnomAD v4.1: 32 of 355,454 alleles (0.009%); highest among the groups gnomAD compares: South Asian, 0.043%; no homozygotes.

Submission:

Illumina Laboratory Services, Illumina
Classification: Benign for Childhood apraxia of speech. Last evaluated: 2018-01-13. Review status: criteria provided, single submitter. Criteria: ICSL Variant Classification Criteria 13 December 2019. Collection method: clinical testing. Allele origin: germline.
Comment: This variant was observed in the ICSL laboratory as part of a predisposition screen in an ostensibly healthy population. It had not been previously curated by ICSL or reported in the Human Gene Mutation Database (HGMD: prior to June 1st, 2018), and was therefore a candidate for classification through an automated scoring system. Utilizing variant allele frequency, disease prevalence and penetrance estimates, and inheritance mode, an automated score was calculated to assess if this variant is too frequent to cause the disease. Based on the score and internal cut-off values, a variant classified as benign is not then subjected to further curation. The score for this variant resulted in a classification of benign for this disease.

NM_014491.4(FOXP2):c.*250A>G

Gene: FOXP2 (forkhead box P2; plus strand). Cytogenetic location: 7q31.1.
Variant type: single nucleotide variant.
Coding change: c.*250A>G on transcript NM_014491.4 (MANE Select); 250 bases downstream of the stop codon, A replaced by G.
Molecular consequence: 3 prime UTR variant. On other transcripts: non-coding transcript variant (2).
Genome position (GRCh38, 1-based): chr7:114,690,176, A>G. VCF-style: chr7-114690176-A-G. GRCh37 (hg19) VCF-style: chr7-114330231-A-G.
Other names: c.*250A>G (NM_001172766.3, NM_148898.4, NM_148900.4).
Identifiers: ClinVar variation 358626 (VCV000358626.5), dbSNP rs368786145, ClinGen allele CA4446373.